The following is an entry in ClinVar:

ClinVar aggregate classification (germline): Uncertain significance (1 of 4 stars; one submission).

Conditions:
Aortic aneurysm, familial thoracic 4 (AAT4). Also called: AORTIC ANEURYSM/AORTIC DISSECTION AND PATENT DUCTUS ARTERIOSUS. Identifiers: MedGen C1851504, MONDO:0007568, OMIM 132900.

Submission:

Labcorp Genetics (formerly Invitae), Labcorp
Classification: Uncertain significance for Aortic aneurysm, familial thoracic 4. Last evaluated: 2025-06-24. Review status: criteria provided, single submitter. Criteria: Invitae Variant Classification Sherloc (09022015). Collection method: clinical testing. Allele origin: germline.
Comment: This sequence change replaces glutamic acid, which is acidic and polar, with aspartic acid, which is acidic and polar, at codon 906 of the MYH11 protein (p.Glu906Asp). This variant is not present in population databases (gnomAD no frequency). This variant has not been reported in the literature in individuals affected with MYH11-related conditions. Invitae Evidence Modeling of protein sequence and biophysical properties (such as structural, functional, and spatial information, amino acid conservation, physicochemical variation, residue mobility, and thermodynamic stability) indicates that this missense variant is not expected to disrupt MYH11 protein function with a negative predictive value of 95%. In summary, the available evidence is currently insufficient to determine the role of this variant in disease. Therefore, it has been classified as a Variant of Uncertain Significance.

NM_002474.3(MYH11):c.2697G>C (p.Glu899Asp)

Gene: MYH11 (myosin heavy chain 11; minus strand). Cytogenetic location: 16p13.11.
Variant type: single nucleotide variant.
Coding change: c.2697G>C on transcript NM_002474.3 (MANE Select); coding-DNA position 2697, G replaced by C.
Protein change: p.Glu899Asp; replaces glutamic acid 899 with aspartic acid.
Molecular consequence: missense variant.
Genome position (GRCh38, 1-based): chr16:15,741,625, C>G on the plus strand (G>C on the coding strand, the complement: MYH11 is on the minus strand). VCF-style: chr16-15741625-C-G. GRCh37 (hg19) VCF-style: chr16-15835482-C-G.
Other names: c.2718G>C, p.Glu906Asp (NM_001040113.2, NM_001040114.2); c.2697G>C, p.Glu899Asp (NM_022844.3); short protein forms E899D, E906D.
Identifiers: ClinVar variation 4704095 (VCV004704095.1).
Genomic context (GRCh38, chr16:15,741,625, plus strand): 5'-CTCCTGCTTCTTGGCCGCCAGCCGCACCCGCATCTCCTCAGCCTCTGCATACAGCTCTGT[C>G]TCTGCCTGCAGCTGTTCCTGTAGCAGGTTCTTCTCCTCGGTCAGCTGCACGCAGGTGGTG-3'
Protein context (NP_002465.1, residues 889-909): KNLLQEQLQA[Glu899Asp]TELYAEAEEM